The following is an entry in ClinVar:

NM_002615.7(SERPINF1):c.787-199T>G

Gene: SERPINF1 (serpin family F member 1; plus strand). Cytogenetic location: 17p13.3.
Variant type: single nucleotide variant.
Coding change: c.787-199T>G on transcript NM_002615.7 (MANE Select); 199 bases into the intron before coding-DNA position 787, T replaced by G.
Molecular consequence: intron variant.
Genome position (GRCh38, 1-based): chr17:1,776,333, T>G. VCF-style: chr17-1776333-T-G. GRCh37 (hg19) VCF-style: chr17-1679627-T-G.
Other names: c.226-199T>G (NM_001329904.2, NM_001329905.2); c.787-199T>G (NM_001329903.2).
Identifiers: ClinVar variation 1707131 (VCV001707131.2), dbSNP rs576202019, ClinGen allele CA286851026.

ClinVar aggregate classification (germline): Likely benign (1 of 4 stars; one submission).

Allele frequency attached by ClinVar (database versions not stated): gnomAD exomes 0.00036; 1000 Genomes Project 0.00280; 1000 Genomes Project 30x 0.00281; gnomAD 0.00321; TOPMed 0.00350.
gnomAD v4.1: 667 of 626,080 alleles (0.11%); highest among the groups gnomAD compares: African/African-American, 1.1%; 5 homozygotes.

Submission:

GeneDx
Classification: Likely benign. Last evaluated: 2019-05-18. Review status: criteria provided, single submitter. Criteria: GeneDx Variant Classification Process June 2021. Collection method: clinical testing. Allele origin: germline. Affected: yes.
Comment: See Variant Classification Assertion Criteria.